The following is an entry in ClinVar:

NM_006267.5(RANBP2):c.1961T>A (p.Phe654Tyr)

Gene: RANBP2 (RAN binding protein 2; plus strand). Cytogenetic location: 2q13.
Variant type: single nucleotide variant.
Coding change: c.1961T>A on transcript NM_006267.5 (MANE Select); coding-DNA position 1961, T replaced by A.
Protein change: p.Phe654Tyr; replaces phenylalanine 654 with tyrosine.
Molecular consequence: missense variant.
Genome position (GRCh38, 1-based): chr2:108,753,469, T>A. VCF-style: chr2-108753469-T-A. GRCh37 (hg19) VCF-style: chr2-109369925-T-A.
Other names: short protein forms F654Y.
Identifiers: ClinVar variation 946589 (VCV000946589.8), dbSNP rs779026006, ClinGen allele CA1822498.

ClinVar aggregate classification (germline): Uncertain significance. Review status: criteria provided, multiple submitters, no conflicts (2 of 4 stars). 2 submissions from 2 submitters: Uncertain significance (2). Last evaluated 2025-08-22.

Conditions:
Familial acute necrotizing encephalopathy (IIAE3). Also called: ENCEPHALOPATHY, ACUTE, INFECTION-INDUCED, SUSCEPTIBILITY TO, 3; Susceptibility to Acute Necrotizing Encephalopathy 1. Identifiers: Orphanet 88619, MedGen C2675556, MONDO:0011953, OMIM 608033.

Allele frequency attached by ClinVar (database versions not stated): TOPMed 0.00003; ExAC 0.00005; gnomAD exomes 0.00005.

Submissions (2):

Labcorp Genetics (formerly Invitae), Labcorp
Classification: Uncertain significance for Familial acute necrotizing encephalopathy. Last evaluated: 2025-08-22. Review status: criteria provided, single submitter. Criteria: Invitae Variant Classification Sherloc (09022015). Collection method: clinical testing. Allele origin: germline.
Comment: This sequence change replaces phenylalanine, which is neutral and non-polar, with tyrosine, which is neutral and polar, at codon 654 of the RANBP2 protein (p.Phe654Tyr). This variant is present in population databases (rs779026006, gnomAD 0.03%). This variant has not been reported in the literature in individuals affected with RANBP2-related conditions. ClinVar contains an entry for this variant (Variation ID: 946589). An algorithm developed to predict the effect of missense changes on protein structure and function (PolyPhen-2) suggests that this variant is likely to be tolerated. In summary, the available evidence is currently insufficient to determine the role of this variant in disease. Therefore, it has been classified as a Variant of Uncertain Significance.

Ambry Genetics
Classification: Uncertain significance. Last evaluated: 2024-03-18. Review status: criteria provided, single submitter. Criteria: Ambry Variant Classification Scheme 2023. Collection method: clinical testing. Allele origin: germline.